The following is an entry in ClinVar:

NM_000878.5(IL2RB):c.811G>A (p.Gly271Arg)

Gene: IL2RB (interleukin 2 receptor subunit beta; minus strand). Cytogenetic location: 22q12.3.
Variant type: single nucleotide variant.
Coding change: c.811G>A on transcript NM_000878.5 (MANE Select); coding-DNA position 811, G replaced by A.
Protein change: p.Gly271Arg; replaces glycine 271 with arginine.
Molecular consequence: missense variant.
Genome position (GRCh38, 1-based): chr22:37,135,335, C>T on the plus strand (G>A on the coding strand, the complement: IL2RB is on the minus strand). VCF-style: chr22-37135335-C-T. GRCh37 (hg19) VCF-style: chr22-37531375-C-T.
Other names: p.Gly271Arg; c.811G>A, p.Gly271Arg (NM_001346222.1, NM_001346223.2); c.811G>A (NM_000878.4); short protein forms G271R.
Identifiers: ClinVar variation 783886 (VCV000783886.15), dbSNP rs116250343, ClinGen allele CA10216518.
Genomic context (GRCh38, chr22:37,135,335, plus strand): 5'-TGTGCACGTTGGAGGGGTGGGAGCATGAAGGAAGGGGAGGAGAACCTTCTTACCATGGCC[C>T]GGTGTTCCTGCAGTTGATCAGCAAGTACACTAAGATGATGAAGCCAAAAGCCCCGCTGAG-3'
Protein context (NP_000869.1, residues 261-281): VYLLINCRNT[Gly271Arg]PWLKKVLKCN

ClinVar aggregate classification (germline): Benign. Review status: criteria provided, multiple submitters, no conflicts (2 of 4 stars). 4 submissions from 4 submitters: Benign (3). 1 of the submissions does not count toward it. Last evaluated 2026-02-01.

Conditions:
IL2RB-related disorder. Also called: IL2RB-related condition.

Allele frequency attached by ClinVar (database versions not stated): gnomAD exomes 0.00112 and 0.00237; ExAC 0.00282; gnomAD 0.00770 and 0.00811; ESP Exome Variant Server 0.00823; 1000 Genomes Project 0.00859; TOPMed 0.00895; 1000 Genomes Project 30x 0.01031.
gnomAD v4.1: 2,859 of 1,612,420 alleles (0.18%); highest among the groups gnomAD compares: African/African-American, 2.6%; 31 homozygotes.

Submissions (4):

Labcorp Genetics (formerly Invitae), Labcorp
Classification: Benign. Last evaluated: 2026-02-01. Review status: criteria provided, single submitter. Criteria: Invitae Variant Classification Sherloc (09022015). Collection method: clinical testing. Allele origin: germline.

Mayo Clinic Laboratories, Mayo Clinic
Classification: Benign. Last evaluated: 2024-02-14. Review status: criteria provided, single submitter. Criteria: ACMG Guidelines, 2015. Collection method: clinical testing. Allele origin: germline. Observed: 5 variant alleles.
Comment: BS1, BS2, BP4

Breakthrough Genomics
Classification: Benign. Review status: criteria provided, single submitter. Criteria: ACMG Guidelines, 2015. Collection method: not provided. Allele origin: germline. Inheritance: Autosomal recessive inheritance. Affected: yes.

PreventionGenetics, part of Exact Sciences
Classification: Benign for IL2RB-related condition. Last evaluated: 2019-11-06. Review status: no assertion criteria provided. Collection method: clinical testing. Allele origin: germline. Not counted in ClinVar's aggregate classification.
Comment: This variant is classified as benign based on ACMG/AMP sequence variant interpretation guidelines (Richards et al. 2015 PMID: 25741868, with internal and published modifications).